The following is an entry in ClinVar:

NM_001715.3(BLK):c.1349G>A (p.Arg450His)

Gene: BLK (BLK proto-oncogene, Src family tyrosine kinase). Cytogenetic location: 8p23.1.
Variant type: single nucleotide variant.
Coding change: c.1349G>A on transcript NM_001715.3 (MANE Select); coding-DNA position 1349, G replaced by A.
Protein change: p.Arg450His; replaces arginine 450 with histidine.
Molecular consequence: missense variant.
Genome position (GRCh38, 1-based): chr8:11,563,939, G>A. VCF-style: chr8-11563939-G-A. GRCh37 (hg19) VCF-style: chr8-11421448-G-A.
Other names: c.1136G>A, p.Arg379His (NM_001330465.2); short protein forms R450H, R379H.
Identifiers: ClinVar variation 361496 (VCV000361496.40), dbSNP rs202162624, ClinGen allele CA4630493.

ClinVar aggregate classification (germline): Benign/Likely benign. Review status: criteria provided, multiple submitters, no conflicts (2 of 4 stars). 6 submissions from 6 submitters: Benign (3); Likely benign (3). Last evaluated 2026-02-02.

Conditions:
Maturity-onset diabetes of the young type 11. Identifiers: Orphanet 552, MedGen C3150618, MONDO:0013242, OMIM 613375.

Allele frequency attached by ClinVar (database versions not stated): gnomAD 0.00022 and 0.00057; TOPMed 0.00027; ESP Exome Variant Server 0.00039; 1000 Genomes Project 30x 0.00265; 1000 Genomes Project 0.00339.
gnomAD v4.1: 1,648 of 1,608,036 alleles (0.1%); highest among the groups gnomAD compares: South Asian, 1.2%; 25 homozygotes.

Submissions (6):

Labcorp Genetics (formerly Invitae), Labcorp
Classification: Benign. Last evaluated: 2026-02-02. Review status: criteria provided, single submitter. Criteria: Invitae Variant Classification Sherloc (09022015). Collection method: clinical testing. Allele origin: germline.

CeGaT Center for Human Genetics Tuebingen
Classification: Benign. Last evaluated: 2025-11-01. Review status: criteria provided, single submitter. Criteria: CeGaT Center For Human Genetics Tuebingen Variant Classification Criteria Version 2. Collection method: clinical testing. Allele origin: germline. Affected: yes. Observed: 2 variant alleles.
Comment: BLK: BP4, BS1, BS2

Blueprint Genetics
Classification: Likely benign. Last evaluated: 2024-11-18. Review status: criteria provided, single submitter. Criteria: ACMG Guidelines, 2015. Collection method: clinical testing. Allele origin: germline.

GeneDx
Classification: Likely benign. Last evaluated: 2020-02-14. Review status: criteria provided, single submitter. Criteria: GeneDx Variant Classification Process June 2021. Collection method: clinical testing. Allele origin: germline. Affected: yes.

Illumina Laboratory Services, Illumina
Classification: Benign for Maturity-onset diabetes of the young type 11. Last evaluated: 2018-01-13. Review status: criteria provided, single submitter. Criteria: ICSL Variant Classification Criteria 13 December 2019. Collection method: clinical testing. Allele origin: germline.
Comment: This variant was observed in the ICSL laboratory as part of a predisposition screen in an ostensibly healthy population. It had not been previously curated by ICSL or reported in the Human Gene Mutation Database (HGMD: prior to June 1st, 2018), and was therefore a candidate for classification through an automated scoring system. Utilizing variant allele frequency, disease prevalence and penetrance estimates, and inheritance mode, an automated score was calculated to assess if this variant is too frequent to cause the disease. Based on the score and internal cut-off values, a variant classified as benign is not then subjected to further curation. The score for this variant resulted in a classification of benign for this disease.

Breakthrough Genomics
Classification: Likely benign. Review status: criteria provided, single submitter. Criteria: ACMG Guidelines, 2015. Collection method: not provided. Allele origin: germline. Inheritance: Autosomal dominant inheritance. Affected: yes.